The following is an entry in ClinVar:

NM_001371986.1(UNC80):c.9944C>T (p.Thr3315Met)

Gene: UNC80 (unc-80 homolog, NALCN channel complex subunit; plus strand). Cytogenetic location: 2q34.
Variant type: single nucleotide variant.
Coding change: c.9944C>T on transcript NM_001371986.1 (MANE Select); coding-DNA position 9944, C replaced by T.
Protein change: p.Thr3315Met; replaces threonine 3315 with methionine.
Molecular consequence: missense variant.
Genome position (GRCh38, 1-based): chr2:209,995,564, C>T. VCF-style: chr2-209995564-C-T. GRCh37 (hg19) VCF-style: chr2-210860288-C-T.
Other names: c.9746C>T, p.Thr3249Met (NM_032504.2); c.9674C>T, p.Thr3225Met (NM_182587.4); short protein forms T3225M, T3249M, T3315M.
Identifiers: ClinVar variation 1429969 (VCV001429969.5), dbSNP rs1312332517, ClinGen allele CA350416644.

ClinVar aggregate classification (germline): Uncertain significance (1 of 4 stars; one submission).

Allele frequency attached by ClinVar (database versions not stated): gnomAD 0.00001; gnomAD exomes 0.00001; TOPMed 0.00003.
gnomAD v4.1: 15 of 1,551,924 alleles (0.00097%); highest among the groups gnomAD compares: Non-Finnish European, 0.0012%; no homozygotes.

Submission:

Labcorp Genetics (formerly Invitae), Labcorp
Classification: Uncertain significance. Last evaluated: 2022-08-10. Review status: criteria provided, single submitter. Criteria: Invitae Variant Classification Sherloc (09022015). Collection method: clinical testing. Allele origin: germline.
Comment: This sequence change replaces threonine, which is neutral and polar, with methionine, which is neutral and non-polar, at codon 3249 of the UNC80 protein (p.Thr3249Met). This variant is present in population databases (no rsID available, gnomAD 0.004%). This variant has not been reported in the literature in individuals affected with UNC80-related conditions. ClinVar contains an entry for this variant (Variation ID: 1429969). Algorithms developed to predict the effect of missense changes on protein structure and function output the following: SIFT: "Not Available"; PolyPhen-2: "Possibly Damaging"; Align-GVGD: "Not Available". The methionine amino acid residue is found in multiple mammalian species, which suggests that this missense change does not adversely affect protein function. In summary, the available evidence is currently insufficient to determine the role of this variant in disease. Therefore, it has been classified as a Variant of Uncertain Significance.